The following is an entry in ClinVar:

ClinVar aggregate classification (germline): Uncertain significance (1 of 4 stars; one submission).

Conditions:
Familial thoracic aortic aneurysm and aortic dissection (TAAD). Also called: Thoracic aortic aneurysms and dissections. Identifiers: Orphanet 91387, MedGen C4707243, MONDO:0019625.
Hereditary cancer-predisposing syndrome. Also called: Neoplastic Syndromes, Hereditary; Tumor predisposition; Hereditary Cancer Syndrome; Hereditary neoplastic syndrome. Identifiers: Orphanet 140162, MedGen C0027672, MeSH D009386, MONDO:0015356.

Submission:

Ambry Genetics
Classification: Uncertain significance for Hereditary cancer-predisposing syndrome; Familial thoracic aortic aneurysm and aortic dissection. Last evaluated: 2026-05-21. Review status: criteria provided, single submitter. Criteria: Ambry Variant Classification Scheme 2023. Collection method: clinical testing. Allele origin: germline.
Comment: The p.G384V variant (also known as c.1151G>T), located in coding exon 9 of the SMAD4 gene, results from a G to T substitution at nucleotide position 1151. The glycine at codon 384 is replaced by valine, an amino acid with dissimilar properties. This amino acid position is highly conserved in available vertebrate species. In addition, this alteration is predicted to be deleterious by in silico analysis. Since supporting evidence is limited at this time, the clinical significance of this alteration remains unclear.

NM_005359.6(SMAD4):c.1151G>T (p.Gly384Val)

Gene: SMAD4 (SMAD family member 4; plus strand). Cytogenetic location: 18q21.2.
Variant type: single nucleotide variant.
Coding change: c.1151G>T on transcript NM_005359.6 (MANE Select); coding-DNA position 1151, G replaced by T.
Protein change: p.Gly384Val; replaces glycine 384 with valine.
Molecular consequence: missense variant. On other transcripts: non-coding transcript variant (1).
Genome position (GRCh38, 1-based): chr18:51,067,030, G>T. VCF-style: chr18-51067030-G-T. GRCh37 (hg19) VCF-style: chr18-48593400-G-T.
Other names: c.1151G>T, p.Gly384Val (NM_001407041.1, NM_001407042.1); short protein forms G384V.
Identifiers: ClinVar variation 3238388 (VCV003238388.2), dbSNP rs2144451748.